The following is an entry in ClinVar:

ClinVar aggregate classification (germline): Conflicting classifications of pathogenicity. Review status: criteria provided, conflicting classifications (1 of 4 stars). 2 submissions from 2 submitters: Uncertain significance (1); Likely benign (1). Last evaluated 2026-08-20.

Conditions:
Inborn genetic diseases. Identifiers: MedGen C0950123, MeSH D030342.
Deficiency of aromatic-L-amino-acid decarboxylase. Also called: Aromatic L-Amino Acid Decarboxylase Deficiency; Aromatic amino acid decarboxylase deficiency; AADC DEFICIENCY; DDC DEFICIENCY; DOPA DECARBOXYLASE DEFICIENCY. Identifiers: Orphanet 35708, MedGen C1291564, MONDO:0012084, OMIM 608643.

Allele frequency attached by ClinVar (database versions not stated): 1000 Genomes Project 30x 0.00031; gnomAD exomes 0.00004 and 0.00007; ExAC 0.00012; gnomAD 0.00017; 1000 Genomes Project 0.00020; ESP Exome Variant Server 0.00031; TOPMed 0.00022.
gnomAD v4.1: 81 of 1,613,478 alleles (0.005%); highest among the groups gnomAD compares: African/African-American, 0.092%; no homozygotes.

Submissions (2):

Ambry Genetics
Classification: Likely benign for Inborn genetic diseases. Last evaluated: 2026-08-20. Review status: criteria provided, single submitter. Criteria: Ambry Variant Classification Scheme 2023. Collection method: clinical testing. Allele origin: germline.

Labcorp Genetics (formerly Invitae), Labcorp
Classification: Uncertain significance for Deficiency of aromatic-L-amino-acid decarboxylase. Last evaluated: 2022-09-07. Review status: criteria provided, single submitter. Criteria: Invitae Variant Classification Sherloc (09022015). Collection method: clinical testing. Allele origin: germline.
Comment: This sequence change replaces valine, which is neutral and non-polar, with isoleucine, which is neutral and non-polar, at codon 270 of the DDC protein (p.Val270Ile). This variant is present in population databases (rs150447169, gnomAD 0.06%). This variant has not been reported in the literature in individuals affected with DDC-related conditions. ClinVar contains an entry for this variant (Variation ID: 1046033). Algorithms developed to predict the effect of missense changes on protein structure and function output the following: SIFT: "Tolerated"; PolyPhen-2: "Benign"; Align-GVGD: "Class C0". The isoleucine amino acid residue is found in multiple mammalian species, which suggests that this missense change does not adversely affect protein function. In summary, the available evidence is currently insufficient to determine the role of this variant in disease. Therefore, it has been classified as a Variant of Uncertain Significance.

NM_001082971.2(DDC):c.808G>A (p.Val270Ile)

Gene: DDC (dopa decarboxylase; minus strand). Cytogenetic location: 7p12.2.
Variant type: single nucleotide variant.
Coding change: c.808G>A on transcript NM_001082971.2 (MANE Select); coding-DNA position 808, G replaced by A.
Protein change: p.Val270Ile; replaces valine 270 with isoleucine.
Molecular consequence: missense variant.
Genome position (GRCh38, 1-based): chr7:50,499,216, C>T on the plus strand (G>A on the coding strand, the complement: DDC is on the minus strand). VCF-style: chr7-50499216-C-T. GRCh37 (hg19) VCF-style: chr7-50566914-C-T.
Other names: c.808G>A (NM_000790.3); c.808G>A, p.Val270Ile (NM_000790.4, NM_001242890.2); c.694G>A, p.Val232Ile (NM_001242886.2); c.664G>A, p.Val222Ile (NM_001242887.2); c.574G>A, p.Val192Ile (NM_001242888.2); c.529G>A, p.Val177Ile (NM_001242889.2); short protein forms V222I, V232I, V177I, V192I, V270I.
Identifiers: ClinVar variation 1046033 (VCV001046033.7), dbSNP rs150447169, ClinGen allele CA4262226.